The following is an entry in ClinVar:

NM_018139.3(DNAAF2):c.295G>A (p.Gly99Ser)

Gene: DNAAF2 (dynein axonemal assembly factor 2; minus strand). Cytogenetic location: 14q21.3.
Variant type: single nucleotide variant.
Coding change: c.295G>A on transcript NM_018139.3 (MANE Select); coding-DNA position 295, G replaced by A.
Protein change: p.Gly99Ser; replaces glycine 99 with serine.
Molecular consequence: missense variant.
Genome position (GRCh38, 1-based): chr14:49,634,855, C>T on the plus strand (G>A on the coding strand, the complement: DNAAF2 is on the minus strand). VCF-style: chr14-49634855-C-T. GRCh37 (hg19) VCF-style: chr14-50101573-C-T.
Other names: c.295G>A, p.Gly99Ser (NM_001083908.2); short protein forms G99S.
Identifiers: ClinVar variation 2082313 (VCV002082313.3), dbSNP rs1182493444, ClinGen allele CA389632144.

ClinVar aggregate classification (germline): Uncertain significance (1 of 4 stars; one submission).

Conditions:
Primary ciliary dyskinesia. Also called: Ciliary dyskinesia. Identifiers: Orphanet 244, MedGen C0008780, MONDO:0016575, HP:0012265.

Allele frequency attached by ClinVar (database versions not stated): gnomAD exomes below 0.00001; TOPMed 0.00001.
gnomAD v4.1: 2 of 1,546,528 alleles (0.00013%); highest among the groups gnomAD compares: Admixed American, 0.002%; no homozygotes.

Submission:

Labcorp Genetics (formerly Invitae), Labcorp
Classification: Uncertain significance for Primary ciliary dyskinesia. Last evaluated: 2022-06-10. Review status: criteria provided, single submitter. Criteria: Invitae Variant Classification Sherloc (09022015). Collection method: clinical testing. Allele origin: germline.
Comment: This sequence change replaces glycine, which is neutral and non-polar, with serine, which is neutral and polar, at codon 99 of the DNAAF2 protein (p.Gly99Ser). This variant is present in population databases (no rsID available, gnomAD 0.004%). This variant has not been reported in the literature in individuals affected with DNAAF2-related conditions. Algorithms developed to predict the effect of missense changes on protein structure and function are either unavailable or do not agree on the potential impact of this missense change (SIFT: "Tolerated"; PolyPhen-2: "Probably Damaging"; Align-GVGD: "Class C0"). In summary, the available evidence is currently insufficient to determine the role of this variant in disease. Therefore, it has been classified as a Variant of Uncertain Significance.